The following is an entry in ClinVar:

ClinVar aggregate classification (germline): Uncertain significance (1 of 4 stars; one submission).

gnomAD v4.1: 1 of 1,613,708 alleles (0.000062%); highest among the groups gnomAD compares: East Asian, 0.0022%; no homozygotes.

Submission:

GeneDx
Classification: Uncertain significance. Last evaluated: 2025-08-12. Review status: criteria provided, single submitter. Criteria: GeneDx Variant Classification Process June 2021. Collection method: clinical testing. Allele origin: germline. Affected: yes.
Comment: Not observed at significant frequency in large population cohorts (gnomAD); In silico analysis supports that this missense variant has a deleterious effect on protein structure/function; Has not been previously published as pathogenic or benign to our knowledge

NM_001040716.2(PC):c.2846A>C (p.Gln949Pro)

Gene: PC (pyruvate carboxylase; minus strand). Cytogenetic location: 11q13.2.
Variant type: single nucleotide variant.
Coding change: c.2846A>C on transcript NM_001040716.2 (MANE Select); coding-DNA position 2846, A replaced by C.
Protein change: p.Gln949Pro; replaces glutamine 949 with proline.
Molecular consequence: missense variant.
Genome position (GRCh38, 1-based): chr11:66,849,989, T>G on the plus strand (A>C on the coding strand, the complement: PC is on the minus strand). VCF-style: chr11-66849989-T-G. GRCh37 (hg19) VCF-style: chr11-66617460-T-G.
Other names: c.2846A>C, p.Gln949Pro (NM_000920.4, NM_001439352.1, NM_001439353.1 and 5 more transcripts); short protein forms Q949P.
Identifiers: ClinVar variation 4795616 (VCV004795616.1).